The following is an entry in ClinVar:

ClinVar aggregate classification (germline): Uncertain significance (1 of 4 stars; one submission).

Conditions:
Syndromic disease. Identifiers: MedGen C0039082, MONDO:0002254.

Allele frequency attached by ClinVar (database versions not stated): TOPMed below 0.00001.
gnomAD v4.1: 1 of 1,613,982 alleles (0.000062%); highest among the groups gnomAD compares: Non-Finnish European, 0.000085%; no homozygotes.

Submission:

Victorian Clinical Genetics Services, Murdoch Childrens Research Institute
Classification: Uncertain significance for Syndromic disease. Last evaluated: 2022-02-02. Review status: criteria provided, single submitter. Criteria: ACMG Guidelines, 2015. Collection method: clinical testing. Allele origin: germline.
Comment: Based on the classification scheme VCGS_Germline_v1.3.4, this variant is classified as VUS-3C. Following criteria are met: 0102 - Loss of function is a known mechanism of disease in this gene and is associated with facioscapulohumeral dystrophy-like phenotype (PMID: 25615407) steroid-resistant nephrotic syndrome (PMID: 26905694) and syndromic form of coloboma (PMID: 30862798). (I) 0106 - This gene is associated with autosomal recessive disease. However, this is also a weak association to autosomal dominant disease (PMID: 25615407). (I) 0200 - Variant is predicted to result in a missense amino acid change from valine to isoleucine. (I) 0251 - This variant is heterozygous. (I) 0301 - Variant is absent from gnomAD (both v2 and v3). (SP) 0309 - An alternative amino acid change at the same position has been observed in gnomAD (v3) (1507 heterozygotes, 29 homozygotes). (I) 0503 - Missense variant consistently predicted to be tolerated by multiple in silico tools or not conserved in placental mammals with a minor amino acid change. (SB) 0600 - Variant is located in the annotated cadherin repeat domain (NCBI, UniProt). (I) 0709 - Another missense variant comparable to the one identified in this case has moderate previous evidence for being benign. This alternative change (p.Val3496Ala) has been reported as likely benign and benign (ClinVar). (SB) 0807 - This variant has no previous evidence of pathogenicity. (I) 0905 - No published segregation evidence has been identified for this variant. (I) 1007 - No published functional evidence has been identified for this variant. (I) 1208 - Inheritance information for this variant is not currently available in this individual. (I) Legend: (SP) - Supporting pathogenic, (I) - Information, (SB) - Supporting benign

Literature cited by the submitters: PubMed 25615407; PubMed 26905694; PubMed 30862798.

NM_005245.4(FAT1):c.10486G>A (p.Val3496Ile)

Gene: FAT1 (FAT atypical cadherin 1; minus strand). Cytogenetic location: 4q35.2.
Variant type: single nucleotide variant.
Coding change: c.10486G>A on transcript NM_005245.4 (MANE Select); coding-DNA position 10486, G replaced by A.
Protein change: p.Val3496Ile; replaces valine 3496 with isoleucine.
Molecular consequence: missense variant.
Genome position (GRCh38, 1-based): chr4:186,604,439, C>T on the plus strand (G>A on the coding strand, the complement: FAT1 is on the minus strand). VCF-style: chr4-186604439-C-T. GRCh37 (hg19) VCF-style: chr4-187525593-C-T.
Other names: short protein forms V3496I.
Identifiers: ClinVar variation 1699207 (VCV001699207.4), dbSNP rs1436843901, ClinGen allele CA358977441.
Genomic context (GRCh38, chr4:186,604,439, plus strand): 5'-TCACCTGCAGTAAGTAATGATCTTTCTCCTTCCTCTTGATGGCAGATGATGTCAGGAGGA[C>T]TCCTTGCGGGTTAACTTCAAAAGCCTTCTCATCATTTCCAGTTACAATAGTAAAGAAGAA-3'
Protein context (NP_005236.2, residues 3486-3506): EKAFEVNPQG[Val3496Ile]LLTSSAIKRK